The following is an entry in ClinVar:

ClinVar aggregate classification (germline): Likely pathogenic (1 of 4 stars; one submission).

Conditions:
Dilated cardiomyopathy 1G (CMD1G). Identifiers: Orphanet 154, MedGen C1858763, MONDO:0011400, OMIM 604145.
Autosomal recessive limb-girdle muscular dystrophy type 2J (LGMDR10). Also called: Limb-girdle muscular dystrophy, type 2J; MUSCULAR DYSTROPHY, LIMB-GIRDLE, AUTOSOMAL RECESSIVE 10. Identifiers: Orphanet 140922, MedGen C1837342, MONDO:0012127, OMIM 608807.

Submission:

Labcorp Genetics (formerly Invitae), Labcorp
Classification: Likely pathogenic for Dilated cardiomyopathy 1G; Autosomal recessive limb-girdle muscular dystrophy type 2J. Last evaluated: 2025-12-24. Review status: criteria provided, single submitter. Criteria: Invitae Variant Classification Sherloc (09022015). Collection method: clinical testing. Allele origin: germline.
Comment: This sequence change creates a premature translational stop signal (p.Thr31483Ilefs*19) in the TTN gene. While this is not anticipated to result in nonsense mediated decay, it is expected to create a truncated TTN protein. This variant is not present in population databases (gnomAD no frequency). This variant has not been reported in the literature in individuals affected with TTN-related conditions. ClinVar contains an entry for this variant (Variation ID: 1469875). This variant is located in the A band of TTN (PMID: 25589632). Truncating variants in this region are significantly overrepresented in patients affected with dilated cardiomyopathy (PMID: 25589632). Truncating variants in this region have also been reported in individuals affected with autosomal recessive centronuclear myopathy (PMID: 23975875). In summary, the currently available evidence indicates that the variant is pathogenic, but additional data are needed to prove that conclusively. Therefore, this variant has been classified as Likely Pathogenic.

Literature cited by the submitters: PubMed 25589632; PubMed 23975875.

NM_001267550.2(TTN):c.94448del (p.Thr31483fs)

Genes: TTN (titin; minus strand), TTN-AS1 (TTN antisense RNA 1; plus strand). Cytogenetic location: 2q31.2.
Variant type: Deletion.
Coding change: c.94448del on transcript NM_001267550.2 (MANE Select); coding-DNA position 94448, one base deleted (C; older notation c.94448delC).
Protein change: p.Thr31483fs; shifts the reading frame from threonine 31483.
Molecular consequence: frameshift variant.
Genome position (GRCh38, 1-based): chr2:178,547,077, G deleted on the plus strand (C on the coding strand, the reverse complement: TTN is on the minus strand). VCF-style (leftmost placement, unchanged base first): chr2-178547076-AG-A. GRCh37 (hg19) VCF-style: chr2-179411803-AG-A.
Other names: c.67253del, p.Thr22418fs (NM_003319.4); c.86744del, p.Thr28915fs (NM_133378.4); c.67628del, p.Thr22543fs (NM_133432.3); c.67829del, p.Thr22610fs (NM_133437.4); c.89525del, p.Thr29842fs (NM_001256850.1); short protein forms T22610fs, T29842fs, T22543fs, T28915fs, T31483fs, T22418fs.
Identifiers: ClinVar variation 1469875 (VCV001469875.8), dbSNP rs2154146389, ClinGen allele CA2573134096.